The following is an entry in ClinVar:

NM_015629.4(PRPF31):c.1040del (p.Leu347fs)

Genes: PRPF31 (pre-mRNA processing factor 31; plus strand), PRPF31-AS1 (PRPF31 antisense RNA 1; minus strand). Cytogenetic location: 19q13.42.
Variant type: Deletion.
Coding change: c.1040del on transcript NM_015629.4 (MANE Select); coding-DNA position 1040, one base deleted (T; older notation c.1040delT).
Protein change: p.Leu347fs; shifts the reading frame from leucine 347.
Molecular consequence: frameshift variant.
Genome position (GRCh38, 1-based): chr19:54,128,167, T deleted. VCF-style (leftmost placement, unchanged base first): chr19-54128166-CT-C. GRCh37 (hg19) VCF-style: chr19-54631541-CT-C.
Other names: short protein forms L347fs.
Identifiers: ClinVar variation 866533 (VCV000866533.9), dbSNP rs2073964314, ClinGen allele CA916083722.
Genomic context (GRCh38, chr19:54,128,166, plus strand): 5'-AAATTCGACAAGTGGCAGGAGCCGCCGCCTGTGAAGCAGGTGAAGCCGCTGCCTGCGCCC[CT>C]GGATGGACAGCGGAAGAAGCGAGGCGGCCGCAGGTGAGGGGCCCTGGGGGTCCGGTAGGC-3'

ClinVar aggregate classification (germline): Pathogenic. Review status: criteria provided, multiple submitters, no conflicts (2 of 4 stars). 3 submissions from 3 submitters: Pathogenic (3). Last evaluated 2026-11-27.

Conditions:
PRPF31-related disorder. Also called: PRPF31-related condition.
Retinitis pigmentosa 11 (RP11). Identifiers: Orphanet 791, MedGen C1838601, MONDO:0010828, OMIM 600138.

Submissions (3):

Institute of Medical Genetics and Applied Genomics, University Hospital Tübingen
Classification: Pathogenic for Retinitis pigmentosa 11. Last evaluated: 2026-11-27. Review status: criteria provided, single submitter. Criteria: ACMG Guidelines, 2015. Collection method: clinical testing. Allele origin: germline. Inheritance: Autosomal dominant inheritance. Affected: yes.

Labcorp Genetics (formerly Invitae), Labcorp
Classification: Pathogenic. Last evaluated: 2026-02-01. Review status: criteria provided, single submitter. Criteria: Invitae Variant Classification Sherloc (09022015). Collection method: clinical testing. Allele origin: germline.
Comment: This sequence change creates a premature translational stop signal (p.Leu347Argfs*16) in the PRPF31 gene. It is expected to result in an absent or disrupted protein product. Loss-of-function variants in PRPF31 are known to be pathogenic (PMID: 18317597, 23950152). This variant is not present in population databases (gnomAD no frequency). This variant has not been reported in the literature in individuals affected with PRPF31-related conditions. ClinVar contains an entry for this variant (Variation ID: 866533). For these reasons, this variant has been classified as Pathogenic.

Blueprint Genetics
Classification: Pathogenic for PRPF31-related disorders. Last evaluated: 2019-01-16. Review status: criteria provided, single submitter. Criteria: ACMG Guidelines, 2015. Collection method: clinical testing. Allele origin: germline. Affected: yes. Observed: 5 variant alleles.

Literature cited by the submitters: PubMed 18317597 (cited by Labcorp Genetics (formerly Invitae), Labcorp); PubMed 23950152 (cited by Labcorp Genetics (formerly Invitae), Labcorp).